The following is an entry in ClinVar:

NM_001374736.1(DST):c.19688T>C (p.Met6563Thr)

Gene: DST (dystonin; minus strand). Cytogenetic location: 6p12.1.
Variant type: single nucleotide variant.
Coding change: c.19688T>C on transcript NM_001374736.1 (MANE Select); coding-DNA position 19688, T replaced by C.
Protein change: p.Met6563Thr; replaces methionine 6563 with threonine.
Molecular consequence: missense variant.
Genome position (GRCh38, 1-based): chr6:56,501,572, A>G on the plus strand (T>C on the coding strand, the complement: DST is on the minus strand). VCF-style: chr6-56501572-A-G. GRCh37 (hg19) VCF-style: chr6-56366370-A-G.
Other names: c.13331T>C, p.Met4444Thr (NM_001144769.5); c.12917T>C, p.Met4306Thr (NM_001144770.2); c.19688T>C, p.Met6563Thr (NM_001374722.1); c.18728T>C, p.Met6243Thr (NM_001374729.1); c.12470T>C, p.Met4157Thr (NM_001374730.1); c.19715T>C, p.Met6572Thr (NM_001374734.1); c.12797T>C, p.Met4266Thr (NM_001386100.1, NM_183380.4); c.11819T>C, p.Met3940Thr (NM_015548.5); short protein forms M6563T, M4157T, M4306T, M4444T, M6243T, M6572T, M3940T, M4266T.
Identifiers: ClinVar variation 4792299 (VCV004792299.1).

ClinVar aggregate classification (germline): Uncertain significance (1 of 4 stars; one submission).

Conditions:
Epidermolysis bullosa simplex 3, localized or generalized intermediate, with BP230 deficiency (EBS3). Also called: Epidermolysis bullosa simplex, autosomal recessive 2; Epidermolysis bullosa simplex due to BP230 deficiency. Identifiers: Orphanet 412181, MedGen C3809470, MONDO:0014180, OMIM 615425.
Hereditary sensory and autonomic neuropathy type 6. Also called: HSAN VI; Neuropathy, hereditary sensory and autonomic, type VI. Identifiers: Orphanet 314381, MedGen C3539003, MONDO:0013839, OMIM 614653.

gnomAD v4.1: 1 of 1,607,684 alleles (0.000062%); highest among the groups gnomAD compares: Non-Finnish European, 0.000085%; no homozygotes.

Submission:

Labcorp Genetics (formerly Invitae), Labcorp
Classification: Uncertain significance for Epidermolysis bullosa simplex 3, localized or generalized intermediate, with BP230 deficiency; Hereditary sensory and autonomic neuropathy type 6. Last evaluated: 2025-09-21. Review status: criteria provided, single submitter. Criteria: Invitae Variant Classification Sherloc (09022015). Collection method: clinical testing. Allele origin: germline.
Comment: The DST gene has multiple clinically relevant transcripts. This variant occurs in alternate transcript NM_015548.4, and corresponds to NM_001723.5:c.*113945T>C in the primary transcript. This sequence change replaces methionine, which is neutral and non-polar, with threonine, which is neutral and polar, at codon 3940 of the DST protein (p.Met3940Thr). This variant is not present in population databases (gnomAD no frequency). This variant has not been reported in the literature in individuals affected with DST-related conditions. Experimental studies and prediction algorithms are not available or were not evaluated, and the functional significance of this variant is currently unknown. In summary, the available evidence is currently insufficient to determine the role of this variant in disease. Therefore, it has been classified as a Variant of Uncertain Significance.